The following is an entry in ClinVar:

ClinVar aggregate classification (germline): Uncertain significance (1 of 4 stars; one submission).

gnomAD v4.1: 8 of 1,440,882 alleles (0.00056%); highest among the groups gnomAD compares: Non-Finnish European, 0.00065%; no homozygotes.

Submission:

Labcorp Genetics (formerly Invitae), Labcorp
Classification: Uncertain significance. Last evaluated: 2026-01-12. Review status: criteria provided, single submitter. Criteria: Invitae Variant Classification Sherloc (09022015). Collection method: clinical testing. Allele origin: germline.
Comment: This sequence change replaces glycine, which is neutral and non-polar, with valine, which is neutral and non-polar, at codon 674 of the ZNF335 protein (p.Gly674Val). The frequency data for this variant in the population databases is considered unreliable, as metrics indicate poor data quality at this position in the gnomAD database. This variant has not been reported in the literature in individuals affected with ZNF335-related conditions. ClinVar contains an entry for this variant (Variation ID: 3613713). An algorithm developed to predict the effect of missense changes on protein structure and function (PolyPhen-2) suggests that this variant is likely to be disruptive. In summary, the available evidence is currently insufficient to determine the role of this variant in disease. Therefore, it has been classified as a Variant of Uncertain Significance.

NM_022095.4(ZNF335):c.2021G>T (p.Gly674Val)

Gene: ZNF335 (zinc finger protein 335; minus strand). Cytogenetic location: 20q13.12.
Variant type: single nucleotide variant.
Coding change: c.2021G>T on transcript NM_022095.4 (MANE Select); coding-DNA position 2021, G replaced by T.
Protein change: p.Gly674Val; replaces glycine 674 with valine.
Molecular consequence: missense variant.
Genome position (GRCh38, 1-based): chr20:45,959,433, C>A on the plus strand (G>T on the coding strand, the complement: ZNF335 is on the minus strand). VCF-style: chr20-45959433-C-A. GRCh37 (hg19) VCF-style: chr20-44588072-C-A.
Other names: short protein forms G674V.
Identifiers: ClinVar variation 3613713 (VCV003613713.2).
Genomic context (GRCh38, chr20:45,959,433, plus strand): 5'-CGCAGGTTCTTCTTGTGCCGTGTGCTGAAGTGGCAGTACTCACAGGCGAAGGGCTTGGCC[C>A]CTGGAGGCACATGTTGGGGCATGCTTAAGTCTGCCCGTCCCTAGCCTACCCCCTCCAGGA-3'
Protein context (NP_071378.1, residues 664-684): LLSHVAVKHT[Gly674Val]AKPFACEYCH